The following is an entry in ClinVar:

ClinVar aggregate classification (germline): Conflicting classifications of pathogenicity. Review status: criteria provided, conflicting classifications (1 of 4 stars). 5 submissions from 5 submitters: Uncertain significance (1); Likely benign (3). 1 of the submissions does not count toward it. Last evaluated 2026-01-14.

Conditions:
NOTCH2-related disorder. Also called: NOTCH2-related condition.
Hajdu-Cheney syndrome (HJCYS). Also called: ACROOSTEOLYSIS WITH OSTEOPOROSIS AND CHANGES IN SKULL AND MANDIBLE; SERPENTINE FIBULA-POLYCYSTIC KIDNEY SYNDROME; Acroosteolysis dominant type. Identifiers: Orphanet 955, MedGen C0917715, MONDO:0007057, OMIM 102500.

Allele frequency attached by ClinVar (database versions not stated): gnomAD exomes 0.00012 and 0.00014; 1000 Genomes Project 30x 0.00016; ExAC 0.00016; 1000 Genomes Project 0.00020; ESP Exome Variant Server 0.00038; TOPMed 0.00048; gnomAD 0.00052 and 0.00056.
gnomAD v4.1: 248 of 1,614,060 alleles (0.015%); highest among the groups gnomAD compares: African/African-American, 0.16%; no homozygotes.

Submissions (5):

Labcorp Genetics (formerly Invitae), Labcorp
Classification: Likely benign for Hajdu-Cheney syndrome. Last evaluated: 2026-01-14. Review status: criteria provided, single submitter. Criteria: Invitae Variant Classification Sherloc (09022015). Collection method: clinical testing. Allele origin: germline.

CeGaT Center for Human Genetics Tuebingen
Classification: Likely benign. Last evaluated: 2025-09-01. Review status: criteria provided, single submitter. Criteria: CeGaT Center For Human Genetics Tuebingen Variant Classification Criteria Version 2. Collection method: clinical testing. Allele origin: germline. Affected: yes. Observed: 3 variant alleles.
Comment: NOTCH2: BS1

Blueprint Genetics
Classification: Likely benign. Last evaluated: 2023-12-08. Review status: criteria provided, single submitter. Criteria: ACMG Guidelines, 2015. Collection method: clinical testing. Allele origin: germline.

Eurofins Ntd Llc (ga)
Classification: Uncertain significance. Last evaluated: 2017-10-02. Review status: criteria provided, single submitter. Criteria: EGL Classification Definitions 2015. Collection method: clinical testing. Allele origin: germline. Observed: 5 variant alleles, 5 heterozygotes.

PreventionGenetics, part of Exact Sciences
Classification: Likely benign for NOTCH2-related condition. Last evaluated: 2022-11-16. Review status: no assertion criteria provided. Collection method: clinical testing. Allele origin: germline. Not counted in ClinVar's aggregate classification.
Comment: This variant is classified as likely benign based on ACMG/AMP sequence variant interpretation guidelines (Richards et al. 2015 PMID: 25741868, with internal and published modifications).

NM_024408.4(NOTCH2):c.6766C>T (p.Arg2256Cys)

Gene: NOTCH2 (notch receptor 2; minus strand). Cytogenetic location: 1p12.
Variant type: single nucleotide variant.
Coding change: c.6766C>T on transcript NM_024408.4 (MANE Select); coding-DNA position 6766, C replaced by T.
Protein change: p.Arg2256Cys; replaces arginine 2256 with cysteine.
Molecular consequence: missense variant.
Genome position (GRCh38, 1-based): chr1:119,915,956, G>A on the plus strand (C>T on the coding strand, the complement: NOTCH2 is on the minus strand). VCF-style: chr1-119915956-G-A. GRCh37 (hg19) VCF-style: chr1-120458579-G-A.
Other names: c.6766C>T (NM_024408.3); short protein forms R2256C.
Identifiers: ClinVar variation 196926 (VCV000196926.39), dbSNP rs147522485, ClinGen allele CA244745.